The following is an entry in ClinVar:

NM_020191.4(MRPS22):c.987+15dup

Gene: MRPS22 (mitochondrial ribosomal protein S22; plus strand). Cytogenetic location: 3q23.
Variant type: Duplication.
Coding change: c.987+15dup on transcript NM_020191.4 (MANE Select); 15 bases into the intron after coding-DNA position 987, one base duplicated (T; older notation c.987+15dupT).
Molecular consequence: intron variant.
Genome position (GRCh38, 1-based): chr3:139,355,805, T duplicated; the last of 9 consecutive T bases (chr3:139,355,797-139,355,805); duplicating any one gives the same sequence. VCF-style (leftmost placement, unchanged base first): chr3-139355796-G-GT. GRCh37 (hg19) VCF-style: chr3-139074638-G-GT.
Other names: c.987+15dupT (NM_020191.2); c.984+15dup (NM_001363893.1); c.864+15dup (NM_001363857.1).
Identifiers: ClinVar variation 516562 (VCV000516562.11), dbSNP rs372892045, ClinGen allele CA2640876.

ClinVar aggregate classification (germline): Benign/Likely benign. Review status: criteria provided, multiple submitters, no conflicts (2 of 4 stars). 4 submissions from 4 submitters: Benign (1); Likely benign (2). 1 of the submissions does not count toward it. Last evaluated 2025-11-28.

Conditions:
MRPS22-related disorder. Also called: MRPS22-related condition.

Submissions (4):

Labcorp Genetics (formerly Invitae), Labcorp
Classification: Benign. Last evaluated: 2025-11-28. Review status: criteria provided, single submitter. Criteria: Invitae Variant Classification Sherloc (09022015). Collection method: clinical testing. Allele origin: germline.

Blueprint Genetics
Classification: Likely benign. Last evaluated: 2024-11-25. Review status: criteria provided, single submitter. Criteria: ACMG Guidelines, 2015. Collection method: clinical testing. Allele origin: germline.

GeneDx
Classification: Likely benign. Last evaluated: 2018-01-19. Review status: criteria provided, single submitter. Criteria: GeneDx Variant Classification (06012015). Collection method: clinical testing. Allele origin: germline. Affected: yes.
Comment: This variant is considered likely benign or benign based on one or more of the following criteria: it is a conservative change, it occurs at a poorly conserved position in the protein, it is predicted to be benign by multiple in silico algorithms, and/or has population frequency not consistent with disease.

PreventionGenetics, part of Exact Sciences
Classification: Likely benign for MRPS22-related condition. Last evaluated: 2022-07-08. Review status: no assertion criteria provided. Collection method: clinical testing. Allele origin: germline. Not counted in ClinVar's aggregate classification.
Comment: This variant is classified as likely benign based on ACMG/AMP sequence variant interpretation guidelines (Richards et al. 2015 PMID: 25741868, with internal and published modifications).